The following is an entry in ClinVar:

ClinVar aggregate classification (germline): Uncertain significance (1 of 4 stars; one submission).

Conditions:
Inborn genetic diseases. Identifiers: MedGen C0950123, MeSH D030342.

Allele frequency attached by ClinVar (database versions not stated): gnomAD exomes below 0.00001.
gnomAD v4.1: 1 of 1,613,988 alleles (0.000062%); highest among the groups gnomAD compares: Non-Finnish European, 0.000085%; no homozygotes.

Submission:

Ambry Genetics
Classification: Uncertain significance for Inborn genetic diseases. Last evaluated: 2022-09-11. Review status: criteria provided, single submitter. Criteria: Ambry Variant Classification Scheme 2023. Collection method: clinical testing. Allele origin: germline.
Comment: The p.Q367R variant (also known as c.1100A>G), located in coding exon 9 of the LRRK2 gene, results from an A to G substitution at nucleotide position 1100. The glutamine at codon 367 is replaced by arginine, an amino acid with highly similar properties. This amino acid position is conserved. In addition, the in silico prediction for this alteration is inconclusive. Since supporting evidence is limited at this time, the clinical significance of this alteration remains unclear.

NM_198578.4(LRRK2):c.1100A>G (p.Gln367Arg)

Gene: LRRK2 (leucine rich repeat kinase 2; plus strand). Cytogenetic location: 12q12.
Variant type: single nucleotide variant.
Coding change: c.1100A>G on transcript NM_198578.4 (MANE Select); coding-DNA position 1100, A replaced by G.
Protein change: p.Gln367Arg; replaces glutamine 367 with arginine.
Molecular consequence: missense variant.
Genome position (GRCh38, 1-based): chr12:40,251,373, A>G. VCF-style: chr12-40251373-A-G. GRCh37 (hg19) VCF-style: chr12-40645175-A-G.
Other names: short protein forms Q367R.
Identifiers: ClinVar variation 1792262 (VCV001792262.2), dbSNP rs1231769673, ClinGen allele CA384408014.
Genomic context (GRCh38, chr12:40,251,373, plus strand): 5'-TGTTTTGGCTGGAAGCCTGTTACAAAGCATTAACGTGGCATAGAAAGAACAAGCACGTGC[A>G]GGTAGGACTCTCATAAATATTAGAGTTATTCAAAATTATGTTTTCCAGTCATTTATATTT-3'
Protein context (NP_940980.4, residues 357-377): LTWHRKNKHV[Gln367Arg]EAACWALNNL